The following is an entry in ClinVar:

NM_004562.3(PRKN):c.413-20T>C

Genes: PRKN (parkin RBR E3 ubiquitin protein ligase; minus strand), LOC126859871 (MED14-independent group 3 enhancer GRCh37_chr6:162621359-162622558; plus strand). Cytogenetic location: 6q26.
Variant type: single nucleotide variant.
Coding change: c.413-20T>C on transcript NM_004562.3 (MANE Select); 20 bases into the intron before coding-DNA position 413, T replaced by C.
Molecular consequence: intron variant.
Genome position (GRCh38, 1-based): chr6:162,201,272, A>G on the plus strand (T>C on the coding strand, the complement: PRKN is on the minus strand). VCF-style: chr6-162201272-A-G. GRCh37 (hg19) VCF-style: chr6-162622304-A-G.
Other names: c.172-227855T>C (NM_013988.3); c.413-20T>C (NM_013987.3).
Identifiers: ClinVar variation 259433 (VCV000259433.20), dbSNP rs4709583, ClinGen allele CA4090371.

ClinVar aggregate classification (germline): Benign. Review status: criteria provided, multiple submitters, no conflicts (2 of 4 stars). 7 submissions from 7 submitters: Benign (4). 3 of the submissions do not count toward it. Last evaluated 2026-02-04.

Allele frequency attached by ClinVar (database versions not stated): gnomAD exomes 0.92108 and 0.93413; ExAC 0.93292; ESP Exome Variant Server 0.94034; gnomAD 0.94208 and 0.94349; TOPMed 0.94434; 1000 Genomes Project 0.95048; 1000 Genomes Project 30x 0.95112.
gnomAD v4.1: 1,489,064 of 1,612,738 alleles (92%); highest among the groups gnomAD compares: African/African-American, 98%; 687,940 homozygotes.

Submissions (7):

Labcorp Genetics (formerly Invitae), Labcorp
Classification: Benign. Last evaluated: 2026-02-04. Review status: criteria provided, single submitter. Criteria: Invitae Variant Classification Sherloc (09022015). Collection method: clinical testing. Allele origin: germline.

Blueprint Genetics
Classification: Benign. Last evaluated: 2024-11-27. Review status: criteria provided, single submitter. Criteria: ACMG Guidelines, 2015. Collection method: clinical testing. Allele origin: germline.

Unidad de Genómica Garrahan, Hospital de Pediatría Garrahan
Classification: Benign. Last evaluated: 2024-07-31. Review status: criteria provided, single submitter. Criteria: ACMG Guidelines, 2015. Collection method: clinical testing. Allele origin: germline. Affected: no. Observed: 92 variant alleles.
Comment: This variant is classified as Benign based on local population frequency. This variant was detected in 99% of patients studied in a panel designed for Epileptic and Developmental Encephalopathy, Progressive Myoclonus Epilepsy and Abnormal Movements and Neurodegeneration with brain iron accumulation. Number of patients: 92. Only high quality variants are reported.

PreventionGenetics, part of Exact Sciences
Classification: Benign. Review status: criteria provided, single submitter. Criteria: ACMG Guidelines, 2015. Collection method: clinical testing. Allele origin: germline.

Diagnostic Laboratory, Department of Genetics, University Medical Center Groningen
Classification: Benign. Review status: no assertion criteria provided. Collection method: clinical testing. Allele origin: germline. Affected: yes. Study: VKGL Data-share Consensus. Not counted in ClinVar's aggregate classification.

Genome Diagnostics Laboratory, Amsterdam University Medical Center
Classification: Benign. Review status: no assertion criteria provided. Collection method: clinical testing. Allele origin: germline. Affected: yes. Study: VKGL Data-share Consensus. Not counted in ClinVar's aggregate classification.

Joint Genome Diagnostic Labs from Nijmegen and Maastricht, Radboudumc and MUMC+
Classification: Benign. Review status: no assertion criteria provided. Collection method: clinical testing. Allele origin: germline. Affected: yes. Study: VKGL Data-share Consensus. Not counted in ClinVar's aggregate classification.